The following is an entry in ClinVar:

NM_002641.4(PIGA):c.1199G>A (p.Arg400Gln)

Gene: PIGA (phosphatidylinositol glycan anchor biosynthesis class A; minus strand). Cytogenetic location: Xp22.2.
Variant type: single nucleotide variant.
Coding change: c.1199G>A on transcript NM_002641.4 (MANE Select); coding-DNA position 1199, G replaced by A.
Protein change: p.Arg400Gln; replaces arginine 400 with glutamine.
Molecular consequence: missense variant. On other transcripts: non-coding transcript variant (2).
Genome position (GRCh38, 1-based): chrX:15,321,762, C>T on the plus strand (G>A on the coding strand, the complement: PIGA is on the minus strand). VCF-style: chrX-15321762-C-T. GRCh37 (hg19) VCF-style: chrX-15339884-C-T.
Other names: c.497G>A, p.Arg166Gln (NM_020473.3); short protein forms R166Q, R400Q.
Identifiers: ClinVar variation 1001338 (VCV001001338.15), dbSNP rs1921825509, ClinGen allele CA412334888.

ClinVar aggregate classification (germline): Uncertain significance. Review status: criteria provided, multiple submitters, no conflicts (2 of 4 stars). 3 submissions from 3 submitters: Uncertain significance (3). Last evaluated 2024-11-12.

Conditions:
Multiple congenital anomalies-hypotonia-seizures syndrome 2 (MCAHS2). Also called: EPILEPTIC ENCEPHALOPATHY, EARLY INFANTILE, 20; GLYCOSYLPHOSPHATIDYLINOSITOL BIOSYNTHESIS DEFECT 4. Identifiers: Orphanet 300496, MedGen C3275508, MONDO:0010466, OMIM 300868.

Allele frequency attached by ClinVar (database versions not stated): gnomAD exomes 0.00001; TOPMed 0.00001; gnomAD 0.00002.
gnomAD v4.1: 15 of 1,207,826 alleles (0.0012%); highest among the groups gnomAD compares: Middle Eastern, 0.046%; no homozygotes.

Submissions (3):

GeneDx
Classification: Uncertain significance. Last evaluated: 2024-11-12. Review status: criteria provided, single submitter. Criteria: GeneDx Variant Classification Process June 2021. Collection method: clinical testing. Allele origin: germline. Affected: yes.
Comment: Not observed at significant frequency in large population cohorts (gnomAD); In silico analysis supports that this missense variant does not alter protein structure/function; Has not been previously published as pathogenic or benign to our knowledge

Labcorp Genetics (formerly Invitae), Labcorp
Classification: Uncertain significance for Multiple congenital anomalies-hypotonia-seizures syndrome 2. Last evaluated: 2020-02-04. Review status: criteria provided, single submitter. Criteria: Invitae Variant Classification Sherloc (09022015). Collection method: clinical testing. Allele origin: germline.
Comment: In summary, the available evidence is currently insufficient to determine the role of this variant in disease. Therefore, it has been classified as a Variant of Uncertain Significance. Algorithms developed to predict the effect of sequence changes on RNA splicing suggest that this variant may create or strengthen a splice site, but this prediction has not been confirmed by published transcriptional studies. Algorithms developed to predict the effect of missense changes on protein structure and function output the following: SIFT: "Tolerated"; PolyPhen-2: "Benign"; Align-GVGD: "Class C0". The glutamine amino acid residue is found in multiple mammalian species, suggesting that this missense change does not adversely affect protein function. These predictions have not been confirmed by published functional studies and their clinical significance is uncertain. This variant has not been reported in the literature in individuals with PIGA-related conditions. This variant is not present in population databases (ExAC no frequency). This sequence change replaces arginine with glutamine at codon 400 of the PIGA protein (p.Arg400Gln). The arginine residue is moderately conserved and there is a small physicochemical difference between arginine and glutamine.

Revvity Omics, Revvity
Classification: Uncertain significance. Last evaluated: 2019-04-15. Review status: criteria provided, single submitter. Criteria: ACMG Guidelines, 2015. Collection method: clinical testing. Allele origin: germline.